The following is an entry in ClinVar:

NM_020911.2(PLXNA4):c.4721T>C (p.Ile1574Thr)

Gene: PLXNA4 (plexin A4; minus strand). Cytogenetic location: 7q32.3.
Variant type: single nucleotide variant.
Coding change: c.4721T>C on transcript NM_020911.2 (MANE Select); coding-DNA position 4721, T replaced by C.
Protein change: p.Ile1574Thr; replaces isoleucine 1574 with threonine.
Molecular consequence: missense variant.
Genome position (GRCh38, 1-based): chr7:132,148,586, A>G on the plus strand (T>C on the coding strand, the complement: PLXNA4 is on the minus strand). VCF-style: chr7-132148586-A-G. GRCh37 (hg19) VCF-style: chr7-131833345-A-G.
Other names: c.4721T>C, p.Ile1574Thr (NM_001393897.1); short protein forms I1574T.
Identifiers: ClinVar variation 2634208 (VCV002634208.3), dbSNP rs374139141, ClinGen allele CA4489113.

ClinVar aggregate classification (germline): Uncertain significance (1 of 4 stars; one submission).

Conditions:
PLXNA4-related disorder. Also called: PLXNA4-related condition.

Allele frequency attached by ClinVar (database versions not stated): ESP Exome Variant Server 0.00008; ExAC 0.00010; gnomAD exomes 0.00011; TOPMed 0.00012; gnomAD 0.00013.
gnomAD v4.1: 181 of 1,613,606 alleles (0.011%); highest among the groups gnomAD compares: East Asian, 0.025%; 1 homozygote.

Submission:

PreventionGenetics, part of Exact Sciences
Classification: Uncertain significance for PLXNA4-related condition. Last evaluated: 2026-04-21. Review status: criteria provided, single submitter. Criteria: ACMG Guidelines, 2015. Collection method: clinical testing. Allele origin: germline.
Comment: The PLXNA4 c.4721T>C variant is predicted to result in the amino acid substitution p.Ile1574Thr. To our knowledge, this variant has not been reported in the literature. This variant is reported in 0.016% of alleles in individuals of African descent in gnomAD. At this time, the clinical significance of this variant is uncertain due to the absence of conclusive functional and genetic evidence.